The following is an entry in ClinVar:

NM_001734.5(C1S):c.1595del (p.Leu532fs)

Gene: C1S (complement C1s; plus strand). Cytogenetic location: 12p13.31.
Variant type: Deletion.
Coding change: c.1595del on transcript NM_001734.5 (MANE Select); coding-DNA position 1595, one base deleted (T; older notation c.1595delT).
Protein change: p.Leu532fs; shifts the reading frame from leucine 532.
Molecular consequence: frameshift variant.
Genome position (GRCh38, 1-based): chr12:7,070,179, T deleted. VCF-style (leftmost placement, unchanged base first): chr12-7070178-CT-C. GRCh37 (hg19) VCF-style: chr12-7177482-CT-C.
Other names: c.1094del, p.Leu365fs (NM_001346850.2); c.1595del, p.Leu532fs (NM_201442.4); short protein forms L532fs, L365fs.
Identifiers: ClinVar variation 2699997 (VCV002699997.3), dbSNP rs2539607951, ClinGen allele CA2617388309.

ClinVar aggregate classification (germline): Pathogenic (1 of 4 stars; one submission).

Allele frequency attached by ClinVar (database versions not stated): gnomAD exomes below 0.00001.

Submission:

Labcorp Genetics (formerly Invitae), Labcorp
Classification: Pathogenic. Last evaluated: 2023-12-01. Review status: criteria provided, single submitter. Criteria: Invitae Variant Classification Sherloc (09022015). Collection method: clinical testing. Allele origin: germline.
Comment: This sequence change creates a premature translational stop signal (p.Leu532Argfs*4) in the C1S gene. While this is not anticipated to result in nonsense mediated decay, it is expected to disrupt the last 157 amino acid(s) of the C1S protein. This variant is not present in population databases (gnomAD no frequency). This variant has not been reported in the literature in individuals affected with C1S-related conditions. This variant disrupts a region of the C1S protein in which other variant(s) (p.Glu597*) have been determined to be pathogenic (PMID: 9973493, 19155518). This suggests that this is a clinically significant region of the protein, and that variants that disrupt it are likely to be disease-causing. For these reasons, this variant has been classified as Pathogenic.

Literature cited by the submitters: PubMed 9973493; PubMed 19155518.